The following is an entry in ClinVar:

NM_001368882.1(COL13A1):c.496G>T (p.Gly166Cys)

Gene: COL13A1 (collagen type XIII alpha 1 chain; plus strand). Cytogenetic location: 10q22.1.
Variant type: single nucleotide variant.
Coding change: c.496G>T on transcript NM_001368882.1 (MANE Select); coding-DNA position 496, G replaced by T.
Protein change: p.Gly166Cys; replaces glycine 166 with cysteine.
Molecular consequence: missense variant. On other transcripts: 5 prime UTR variant (1), intron variant (5).
Genome position (GRCh38, 1-based): chr10:69,880,536, G>T. VCF-style: chr10-69880536-G-T. GRCh37 (hg19) VCF-style: chr10-71640292-G-T.
Other names: c.469G>T, p.Gly157Cys (NM_001130103.2, NM_080800.4, NM_080801.4 and 1 more transcripts); c.496G>T, p.Gly166Cys (NM_001320951.2, NM_001368884.1); c.460G>T, p.Gly154Cys (NM_001368883.1, NM_001368885.1); c.-105G>T (NM_001368886.1); c.406G>T, p.Gly136Cys (NM_001368895.1); c.400-6920G>T (NM_080805.4, NM_001368897.1); c.373-6920G>T (NM_001368898.1, NM_080798.4, NM_001368896.1); short protein forms G157C, G166C, G136C, G154C.
Identifiers: ClinVar variation 1435840 (VCV001435840.8), dbSNP rs375218363, ClinGen allele CA5534186.

ClinVar aggregate classification (germline): Uncertain significance (1 of 4 stars; one submission).

Allele frequency attached by ClinVar (database versions not stated): gnomAD exomes below 0.00001; ExAC 0.00001; gnomAD 0.00001 and 0.00002; TOPMed 0.00002; ESP Exome Variant Server 0.00008.

Submission:

Labcorp Genetics (formerly Invitae), Labcorp
Classification: Uncertain significance. Last evaluated: 2021-07-08. Review status: criteria provided, single submitter. Criteria: Invitae Variant Classification Sherloc (09022015). Collection method: clinical testing. Allele origin: germline.
Comment: This sequence change replaces glycine with cysteine at codon 157 of the COL13A1 protein (p.Gly157Cys). The glycine residue is highly conserved and there is a large physicochemical difference between glycine and cysteine. This variant is present in population databases (rs375218363, ExAC 0.002%). This variant has not been reported in the literature in individuals affected with COL13A1-related conditions. In summary, the available evidence is currently insufficient to determine the role of this variant in disease. Therefore, it has been classified as a Variant of Uncertain Significance. Algorithms developed to predict the effect of missense changes on protein structure and function (SIFT, PolyPhen-2, Align-GVGD) all suggest that this variant is likely to be disruptive.